The following is an entry in ClinVar:

GRCh38/hg38 10q21.1(chr10:54325406-54539132)x1

Genes: PCDH15 (protocadherin related 15; minus strand), LOC105378311 (uncharacterized LOC105378311; plus strand). Cytogenetic location: 10q21.1.
Variant type: copy number loss.
Change: copy number 1 (one copy instead of two) of chr10:54,325,406-54,539,132 (213.7 kb, GRCh38 coordinates, 1-based), cytogenetic band 10q21.1.
Identifiers: ClinVar variation 4796106 (VCV004796106.1).

ClinVar aggregate classification (germline): Uncertain significance (1 of 4 stars; one submission).

Submission:

Medical Genetic Center, Changzhi Maternal and Child Health Care Hospital
Classification: Uncertain significance. Last evaluated: 2025-12-10. Review status: criteria provided, single submitter. Criteria: ACMG/ClinGen CNV Guidelines, 2019. Collection method: clinical testing. Allele origin: unknown.